The following is an entry in ClinVar:

NM_000426.4(LAMA2):c.4960-3T>C

Gene: LAMA2 (laminin subunit alpha 2; plus strand). Cytogenetic location: 6q22.33.
Variant type: single nucleotide variant.
Coding change: c.4960-3T>C on transcript NM_000426.4 (MANE Select); 3 bases into the intron before coding-DNA position 4960, T replaced by C.
Molecular consequence: intron variant.
Genome position (GRCh38, 1-based): chr6:129,383,119, T>C. VCF-style: chr6-129383119-T-C. GRCh37 (hg19) VCF-style: chr6-129704264-T-C.
Other names: c.4960-3T>C (NM_001079823.2).
Identifiers: ClinVar variation 662719 (VCV000662719.11), dbSNP rs1390358043, ClinGen allele CA570052233.
Genomic context (GRCh38, chr6:129,383,119, plus strand): 5'-GCTTATCTAGCTGTAGCTTCATCATCTCTATTAATTATGTGTTTCCCGAATTTGGATCAT[T>C]AGGCTACCAAAGTGACAGCAGATGGCGAGCAGACCGGACAGGATGCTGAGAGGACCAACA-3'

ClinVar aggregate classification (germline): Uncertain significance (1 of 4 stars; one submission).

Conditions:
LAMA2-related muscular dystrophy (LAMA2-RD). Also called: Laminin alpha 2-related dystrophy. Identifiers: MedGen C5679788, MONDO:0100228.

Allele frequency attached by ClinVar (database versions not stated): gnomAD exomes below 0.00001.
gnomAD v4.1: 1 of 1,612,874 alleles (0.000062%); highest among the groups gnomAD compares: Admixed American, 0.0017%; no homozygotes.

Submission:

Labcorp Genetics (formerly Invitae), Labcorp
Classification: Uncertain significance for LAMA2-related muscular dystrophy. Last evaluated: 2019-05-29. Review status: criteria provided, single submitter. Criteria: Invitae Variant Classification Sherloc (09022015). Collection method: clinical testing. Allele origin: germline.
Comment: This sequence change falls in intron 34 of the LAMA2 gene. It does not directly change the encoded amino acid sequence of the LAMA2 protein, but it affects a nucleotide within the consensus splice site of the intron. In summary, the available evidence is currently insufficient to determine the role of this variant in disease. Therefore, it has been classified as a Variant of Uncertain Significance. This variant is not present in population databases (ExAC no frequency). This variant has not been reported in the literature in individuals with LAMA2-related disease. Nucleotide substitutions within the consensus splice site are a relatively common cause of aberrant splicing (PMID: 17576681, 9536098). Algorithms developed to predict the effect of sequence changes on RNA splicing suggest that this variant is not likely to affect RNA splicing, but this prediction has not been confirmed by published transcriptional studies.

Literature cited by the submitters: PubMed 17576681; PubMed 9536098.